The following is an entry in ClinVar:

NM_004380.3(CREBBP):c.7277T>A (p.Leu2426Gln)

Gene: CREBBP (CREB binding lysine acetyltransferase; minus strand). Cytogenetic location: 16p13.3.
Variant type: single nucleotide variant.
Coding change: c.7277T>A on transcript NM_004380.3 (MANE Select); coding-DNA position 7277, T replaced by A.
Protein change: p.Leu2426Gln; replaces leucine 2426 with glutamine.
Molecular consequence: missense variant.
Genome position (GRCh38, 1-based): chr16:3,727,770, A>T on the plus strand (T>A on the coding strand, the complement: CREBBP is on the minus strand). VCF-style: chr16-3727770-A-T. GRCh37 (hg19) VCF-style: chr16-3777771-A-T.
Other names: c.7163T>A, p.Leu2388Gln (NM_001079846.1); short protein forms L2388Q, L2426Q.
Identifiers: ClinVar variation 1806520 (VCV001806520.3), dbSNP rs750047644, ClinGen allele CA7868919.

ClinVar aggregate classification (germline): Uncertain significance. Review status: criteria provided, multiple submitters, no conflicts (2 of 4 stars). 3 submissions from 3 submitters: Uncertain significance (2). 1 of the submissions does not count toward it. Last evaluated 2023-12-28.

Conditions:
Inborn genetic diseases. Identifiers: MedGen C0950123, MeSH D030342.
CREBBP-related disorder. Also called: CREBBP-related disorders; CREBBP-related condition.

Allele frequency attached by ClinVar (database versions not stated): ExAC 0.00001; gnomAD exomes 0.00002.
gnomAD v4.1: 30 of 1,614,180 alleles (0.0019%); highest among the groups gnomAD compares: Non-Finnish European, 0.0025%; no homozygotes.

Submissions (3):

Ambry Genetics
Classification: Uncertain significance for Inborn genetic diseases. Last evaluated: 2023-12-28. Review status: criteria provided, single submitter. Criteria: Ambry Variant Classification Scheme 2023. Collection method: clinical testing. Allele origin: germline.

GeneDx
Classification: Uncertain significance. Last evaluated: 2022-06-21. Review status: criteria provided, single submitter. Criteria: GeneDx Variant Classification Process June 2021. Collection method: clinical testing. Allele origin: germline. Affected: yes.
Comment: In silico analysis supports that this missense variant does not alter protein structure/function; Has not been previously published as pathogenic or benign to our knowledge

PreventionGenetics, part of Exact Sciences
Classification: Uncertain significance for CREBBP-related condition. Last evaluated: 2024-05-09. Review status: no assertion criteria provided. Collection method: clinical testing. Allele origin: germline. Not counted in ClinVar's aggregate classification.
Comment: The CREBBP c.7277T>A variant is predicted to result in the amino acid substitution p.Leu2426Gln. To our knowledge, this variant has not been reported in the literature. This variant is reported in 0.00088% of alleles in individuals of European (Non-Finnish) descent in gnomAD. At this time, the clinical significance of this variant is uncertain due to the absence of conclusive functional and genetic evidence.